The following is an entry in ClinVar:

ClinVar aggregate classification (germline): Conflicting classifications of pathogenicity. Review status: criteria provided, conflicting classifications (1 of 4 stars). 3 submissions from 3 submitters: Uncertain significance (1); Likely benign (2). Last evaluated 2026-06-19.

Conditions:
Hereditary leiomyomatosis and renal cell cancer. Also called: MULTIPLE CUTANEOUS AND UTERINE LEIOMYOMATA 1, WITH OR WITHOUT RENAL CELL CARCINOMA; Reed syndrome; Multiple cutaneous and uterine leiomyomatosis; Cutaneous leiomyomata with uterine leiomyomata; Leiomyoma, hereditary multiple, of skin; Multiple cutaneous and uterine leiomyomata. Identifiers: Orphanet 523, MedGen C1708350, MONDO:0007888, OMIM 150800, HP:0007437. Disease mechanism: loss of function.

Submissions (3):

Hema, HEMA – Genetic and Molecular Diagnostic Laboratory
Classification: Uncertain significance for Hereditary leiomyomatosis and renal cell cancer. Last evaluated: 2026-06-19. Review status: criteria provided, single submitter. Criteria: HEMA Variant Classification Assertion Criteria. Collection method: clinical testing. Allele origin: germline.
Comment: The c.1391-18T>G variant is a transversion from adenine to cytosine at position -18 of intron 9 of the FH gene. PM2_Supporting: Absent in the gnomAD v4.1.1 database. BP4: According to the splicing predictor SpliceAI, the variant does not affect splicing (Δ score = 0.03 ≤ 0.1).

Labcorp Genetics (formerly Invitae), Labcorp
Classification: Likely benign. Last evaluated: 2025-11-18. Review status: criteria provided, single submitter. Criteria: Invitae Variant Classification Sherloc (09022015). Collection method: clinical testing. Allele origin: germline.

Center for Genomic Medicine, Rigshospitalet, Copenhagen University Hospital
Classification: Likely benign. Last evaluated: 2025-03-04. Review status: criteria provided, single submitter. Criteria: ACMG Guidelines, 2015. Collection method: clinical testing. Allele origin: germline.

NM_000143.4(FH):c.1391-18T>G

Gene: FH (fumarate hydratase; minus strand). Cytogenetic location: 1q43.
Variant type: single nucleotide variant.
Coding change: c.1391-18T>G on transcript NM_000143.4 (MANE Select); 18 bases into the intron before coding-DNA position 1391, T replaced by G.
Molecular consequence: intron variant.
Genome position (GRCh38, 1-based): chr1:241,497,988, A>C on the plus strand (T>G on the coding strand, the complement: FH is on the minus strand). VCF-style: chr1-241497988-A-C. GRCh37 (hg19) VCF-style: chr1-241661288-A-C.
Identifiers: ClinVar variation 1802793 (VCV001802793.7), dbSNP rs2527308724, ClinGen allele CA2580063442.